The following is an entry in ClinVar:

ClinVar aggregate classification (germline): Pathogenic. Review status: criteria provided, multiple submitters, no conflicts (2 of 4 stars). 12 submissions from 10 submitters: Pathogenic (11). 1 of the submissions does not count toward it. Last evaluated 2026-01-20.

Conditions:
Retinitis pigmentosa 12 (RP12). Also called: RP WITH OR WITHOUT PPRPE; RP WITH OR WITHOUT PRESERVED PARAARTERIOLE RETINAL PIGMENT EPITHELIUM; RETINITIS PIGMENTOSA WITH OR WITHOUT PARAARTERIOLAR PRESERVATION OF RETINAL PIGMENT EPITHELIUM. Identifiers: Orphanet 791, MedGen C1838647, MONDO:0010818, OMIM 600105.
Leber congenital amaurosis 8 (LCA8). Identifiers: Orphanet 65, MedGen C3151202, MONDO:0013453, OMIM 613835.
Pigmented paravenous retinochoroidal atrophy. Identifiers: Orphanet 251295, MedGen C1868310, MONDO:0008246, OMIM 172870.
Leber congenital amaurosis (LCA). Also called: Leber's amaurosis. Identifiers: Orphanet 65, MedGen C0339527, MeSH D057130, MONDO:0018998.
Retinitis pigmentosa (RP). Identifiers: Orphanet 791, MedGen C0035334, MeSH D012174, MONDO:0019200, OMIM 268000. Inheritance: Autosomal dominant, autosomal recessive and X linked inheritance.
CRB1-related disorder. Also called: CRB1-related condition; CRB1-related disorders.

Allele frequency attached by ClinVar (database versions not stated): gnomAD exomes below 0.00001 and 0.00002; ExAC 0.00002; TOPMed 0.00002.
gnomAD v4.1: 7 of 1,613,394 alleles (0.00043%); highest among the groups gnomAD compares: East Asian, 0.011%; no homozygotes.

Submissions (12):

Labcorp Genetics (formerly Invitae), Labcorp
Classification: Pathogenic for Leber congenital amaurosis 8; Retinitis pigmentosa 12. Last evaluated: 2026-01-20. Review status: criteria provided, single submitter. Criteria: Invitae Variant Classification Sherloc (09022015). Collection method: clinical testing. Allele origin: germline.
Comment: This sequence change creates a premature translational stop signal (p.Gly1226*) in the CRB1 gene. It is expected to result in an absent or disrupted protein product. Loss-of-function variants in CRB1 are known to be pathogenic (PMID: 10508521, 22065545, 23379534, 25412400, 26957898, 28041643, 29391521). This variant is present in population databases (rs757740068, gnomAD 0.03%). This premature translational stop signal has been observed in individual(s) with inherited retinal dystrophies (PMID: 21602930, 24938718, 25356976). ClinVar contains an entry for this variant (Variation ID: 438080). For these reasons, this variant has been classified as Pathogenic.

Natera, Inc.
Classification: Pathogenic for Leber congenital amaurosis. Last evaluated: 2025-06-18. Review status: criteria provided, single submitter. Criteria: Natera Variant Classification Schema (03/2026). Collection method: clinical testing. Allele origin: germline.
Comment: The c.3676G>T variant in CRB1 is a nonsense variant predicted to introduce a stop codon at amino acid 1226. This variant is expected to result in nonsense mediated decay, truncation, or a dysfunctional protein product. This variant is rare in the general population with a frequency below the threshold expected for the associated phenotype(s). This variant has been observed in one or more individuals affected with the associated recessive disease, as either homozygous or compound heterozygous with a second variant (PMID: 21602930, 25356976). Given the available evidence, this variant is classified as Pathogenic.

3billion
Classification: Pathogenic for CRB1-related disorder. Last evaluated: 2025-03-14. Review status: criteria provided, single submitter. Criteria: ACMG Guidelines, 2015. Collection method: clinical testing. Allele origin: germline. Affected: yes.

SingHealth Duke-NUS Institute of Precision Medicine
Classification: Pathogenic for Leber congenital amaurosis 8. Last evaluated: 2025-02-05. Review status: criteria provided, single submitter. Criteria: PRISM ACMG Classification Criteria. Collection method: clinical testing. Allele origin: germline. Affected: yes.
Comment: Variant is predicted to cause nonsense-mediated decay in a gene where LOF is a known cause of pathogenicity (PVS1). Variant is not found in gnomAD genomes and homozygous allele count in gnomAD exomes is less than 0 (PM2). Prevalence in affected patients is greater compared to the general populace (PS4).

Baylor Genetics
Classification: Pathogenic for Leber congenital amaurosis 8. Last evaluated: 2024-03-04. Review status: criteria provided, single submitter. Criteria: ACMG Guidelines, 2015. Collection method: clinical testing. Allele origin: unknown.

Genome-Nilou Lab
Classification: Pathogenic for Leber congenital amaurosis 8. Last evaluated: 2023-04-11. Review status: criteria provided, single submitter. Criteria: ACMG Guidelines, 2015. Collection method: clinical testing. Allele origin: germline. Affected: no.

Genome-Nilou Lab
Classification: Pathogenic for Pigmented paravenous retinochoroidal atrophy. Last evaluated: 2023-04-11. Review status: criteria provided, single submitter. Criteria: ACMG Guidelines, 2015. Collection method: clinical testing. Allele origin: germline. Affected: no.

Genome-Nilou Lab
Classification: Pathogenic for Retinitis pigmentosa 12. Last evaluated: 2023-04-11. Review status: criteria provided, single submitter. Criteria: ACMG Guidelines, 2015. Collection method: clinical testing. Allele origin: germline. Affected: no.

Pangenia Genomics, Pangenia Inc.
Classification: Pathogenic for Retinitis pigmentosa 12. Last evaluated: 2022-03-14. Review status: criteria provided, single submitter. Criteria: ACMG Guidelines, 2015. Collection method: research. Allele origin: unknown. Inheritance: Autosomal recessive inheritance. Affected: yes. Observed: 1 compound heterozygote.
Comment: The CRB1, c.3676G>T (p.Gly1226*) variant is a nonsense variant, creating a premature translational stop codon in the CRB1 gene. Loss of function variants in CRB1 are known to be pathogenic [PMID: 10508521, 22065545, 23379534, 26957898, 29391521]. This variant is detected in trans with a likely-pathogenic variant [CRB1, c.3017C>A (p.Ser1006Tyr)]. This variant is at extremely low frequency in population database. This variant has been observed in individuals affected with inherited retinal dystrophies [PMID: 21602930, 25356976, 28041643]. There are multiple submissions of this variant in ClinVar (Variation ID: 438080), all rated as Pathogenic.

Blueprint Genetics
Classification: Pathogenic for CRB1-related disorders. Last evaluated: 2021-09-18. Review status: criteria provided, single submitter. Criteria: ACMG Guidelines, 2015. Collection method: clinical testing. Allele origin: germline. Affected: yes. Observed: 2 variant alleles.

Juno Genomics, Hangzhou Juno Genomics, Inc
Classification: Pathogenic for Retinitis pigmentosa 12; Leber congenital amaurosis 8. Review status: criteria provided, single submitter. Criteria: ACMG Guidelines, 2015. Collection method: clinical testing. Allele origin: germline.
Comment: Absent from controls (or at extremely low frequency if recessive) in Genome Aggregation Database.;Null variant in a gene where loss of function (LOF) is a known mechanism of disease.;For recessive disorders, detected in trans with a pathogenic variant.;Patient's phenotype or family history is highly specific for a disease with a single genetic etiology.

NIHR Bioresource Rare Diseases, University of Cambridge
Classification: Pathogenic for Retinitis pigmentosa. Last evaluated: 2015-01-01. Review status: no assertion criteria provided. Collection method: research. Allele origin: unknown. Affected: yes. Observed: 1 variant allele. Not counted in ClinVar's aggregate classification.

Literature cited by the submitters: PubMed 10508521 (cited by Labcorp Genetics (formerly Invitae), Labcorp); PubMed 22065545 (cited by Labcorp Genetics (formerly Invitae), Labcorp); PubMed 23379534 (cited by Labcorp Genetics (formerly Invitae), Labcorp); PubMed 25412400 (cited by Labcorp Genetics (formerly Invitae), Labcorp); PubMed 26957898 (cited by Labcorp Genetics (formerly Invitae), Labcorp); PubMed 28041643 (cited by Labcorp Genetics (formerly Invitae), Labcorp and NIHR Bioresource Rare Diseases, University of Cambridge); PubMed 29391521 (cited by Labcorp Genetics (formerly Invitae), Labcorp); PubMed 21602930 (cited by 4 submitters); PubMed 24938718 (cited by Labcorp Genetics (formerly Invitae), Labcorp); PubMed 25356976 (cited by Labcorp Genetics (formerly Invitae), Labcorp and Natera, Inc.).

NM_201253.3(CRB1):c.3676G>T (p.Gly1226Ter)

Gene: CRB1 (crumbs cell polarity complex component 1; plus strand). Cytogenetic location: 1q31.3.
Variant type: single nucleotide variant.
Coding change: c.3676G>T on transcript NM_201253.3 (MANE Select); coding-DNA position 3676, G replaced by T.
Protein change: p.Gly1226Ter; replaces glycine 1226 with a stop codon.
Molecular consequence: nonsense. On other transcripts: non-coding transcript variant (2), intron variant (1).
Genome position (GRCh38, 1-based): chr1:197,435,539, G>T. VCF-style: chr1-197435539-G-T. GRCh37 (hg19) VCF-style: chr1-197404669-G-T.
Other names: c.3340G>T, p.Gly1114Ter (NM_001193640.2); c.3604G>T, p.Gly1202Ter (NM_001257965.2); c.2129-61G>T (NM_001257966.2); short protein forms G1226*, G1114*, G1202*.
Identifiers: ClinVar variation 438080 (VCV000438080.20), dbSNP rs757740068, ClinGen allele CA1312374.